The following is an entry in ClinVar:

ClinVar aggregate classification (germline): Likely benign (0 of 4 stars; one submission).

Conditions:
DNA2-related disorder. Also called: DNA2-related condition.

Allele frequency attached by ClinVar (database versions not stated): gnomAD exomes below 0.00001.
gnomAD v4.1: 1 of 1,548,008 alleles (0.000065%); highest among the groups gnomAD compares: Non-Finnish European, 0.000087%; no homozygotes.

Submission:

PreventionGenetics, part of Exact Sciences
Classification: Likely benign for DNA2-related condition. Last evaluated: 2021-10-18. Review status: no assertion criteria provided. Collection method: clinical testing. Allele origin: germline.
Comment: This variant is classified as likely benign based on ACMG/AMP sequence variant interpretation guidelines (Richards et al. 2015 PMID: 25741868, with internal and published modifications).

NM_001080449.3(DNA2):c.1221-9T>C

Gene: DNA2 (DNA replication helicase/nuclease 2; minus strand). Cytogenetic location: 10q21.3.
Variant type: single nucleotide variant.
Coding change: c.1221-9T>C on transcript NM_001080449.3 (MANE Select); 9 bases into the intron before coding-DNA position 1221, T replaced by C.
Molecular consequence: intron variant.
Genome position (GRCh38, 1-based): chr10:68,443,120, A>G on the plus strand (T>C on the coding strand, the complement: DNA2 is on the minus strand). VCF-style: chr10-68443120-A-G. GRCh37 (hg19) VCF-style: chr10-70202877-A-G.
Identifiers: ClinVar variation 3061475 (VCV003061475.2), dbSNP rs2493955025, ClinGen allele CA2609392421.
Genomic context (GRCh38, chr10:68,443,120, plus strand): 5'-GGGCAGCATCACAATTGGGACTGAACTACAATCCATCTGTTGTTCAACTGCTCTAAATAT[A>G]AAGTTCCAAGTTAGAGATGCTTATAAACCATTTCCCTGGCTGGGTACGAAGTGAGATAAT-3'